The following is an entry in ClinVar:

ClinVar aggregate classification (germline): Uncertain significance (1 of 4 stars; one submission).

Conditions:
Pitt-Hopkins-like syndrome 2 (PTHSL2). Identifiers: Orphanet 221150, Orphanet 600663, MedGen C3280479, MONDO:0013690, OMIM 614325.

Submission:

Labcorp Genetics (formerly Invitae), Labcorp
Classification: Uncertain significance for Pitt-Hopkins-like syndrome 2. Last evaluated: 2024-08-31. Review status: criteria provided, single submitter. Criteria: Invitae Variant Classification Sherloc (09022015). Collection method: clinical testing. Allele origin: germline.
Comment: This sequence change replaces glutamic acid, which is acidic and polar, with glycine, which is neutral and non-polar, at codon 932 of the NRXN1 protein (p.Glu932Gly). This variant is not present in population databases (gnomAD no frequency). This variant has not been reported in the literature in individuals affected with NRXN1-related conditions. An algorithm developed to predict the effect of missense changes on protein structure and function (PolyPhen-2) suggests that this variant is likely to be disruptive. In summary, the available evidence is currently insufficient to determine the role of this variant in disease. Therefore, it has been classified as a Variant of Uncertain Significance.

NM_001330078.2(NRXN1):c.2675A>G (p.Glu892Gly)

Gene: NRXN1 (neurexin 1; minus strand). Cytogenetic location: 2p16.3.
Variant type: single nucleotide variant.
Coding change: c.2675A>G on transcript NM_001330078.2 (MANE Select); coding-DNA position 2675, A replaced by G.
Protein change: p.Glu892Gly; replaces glutamic acid 892 with glycine.
Molecular consequence: missense variant.
Genome position (GRCh38, 1-based): chr2:50,497,537, T>C on the plus strand (A>G on the coding strand, the complement: NRXN1 is on the minus strand). VCF-style: chr2-50497537-T-C. GRCh37 (hg19) VCF-style: chr2-50724675-T-C.
Other names: c.2795A>G, p.Glu932Gly (NM_001135659.3); c.2651A>G, p.Glu884Gly (NM_001330077.2, NM_001330082.2); c.2609A>G, p.Glu870Gly (NM_001330083.2, NM_001330084.2); c.2648A>G, p.Glu883Gly (NM_001330085.2); c.2675A>G, p.Glu892Gly (NM_001330086.2, NM_004801.6); c.2564A>G, p.Glu855Gly (NM_001330087.2, NM_001330096.2); c.2594A>G, p.Glu865Gly (NM_001330088.2); c.2672A>G, p.Glu891Gly (NM_001330093.2); and 2 more; short protein forms E884G, E892G, E883G, E891G, E932G, E875G, E888G, E855G.
Identifiers: ClinVar variation 3662197 (VCV003662197.2).
Genomic context (GRCh38, chr2:50,497,537, plus strand): 5'-TTGGTCTTGAAGGTGACAGGATCTGCTATGATGTTCCTGAAGCCAAATCTGGCATTAAGC[T>C]CACAGTAATCTATGTCGCCATTTTTACACAGGTCAATGTATGCCATTCCATTAAATGTCA-3'
Protein context (NP_001317007.1, residues 882-902): LCKNGDIDYC[Glu892Gly]LNARFGFRNI